The following is an entry in ClinVar:

NM_020937.4(FANCM):c.3107G>A (p.Cys1036Tyr)

Gene: FANCM (FA complementation group M; plus strand). Cytogenetic location: 14q21.2.
Variant type: single nucleotide variant.
Coding change: c.3107G>A on transcript NM_020937.4 (MANE Select); coding-DNA position 3107, G replaced by A.
Protein change: p.Cys1036Tyr; replaces cysteine 1036 with tyrosine.
Molecular consequence: missense variant.
Genome position (GRCh38, 1-based): chr14:45,175,861, G>A. VCF-style: chr14-45175861-G-A. GRCh37 (hg19) VCF-style: chr14-45645064-G-A.
Other names: c.3029G>A, p.Cys1010Tyr (NM_001308133.2); short protein forms C1010Y, C1036Y.
Identifiers: ClinVar variation 5021512 (VCV005021512.1).
Genomic context (GRCh38, chr14:45,175,861, plus strand): 5'-CACTTGAGAATTTGCTTTTCTTACCCTGTGCAGAGCATTTACGAAGTGATAAATGCACCT[G>A]TTTGCTGTCACATTCAGCTGTGAATTCTCAACAGAATTTAGAATTGAATTCACTTAAATG-3'
Protein context (NP_065988.1, residues 1026-1046): AEHLRSDKCT[Cys1036Tyr]LLSHSAVNSQ

ClinVar aggregate classification (germline): Uncertain significance (1 of 4 stars; one submission).

Conditions:
Inborn genetic diseases. Identifiers: MedGen C0950123, MeSH D030342.

Submission:

Ambry Genetics
Classification: Uncertain significance for Inborn genetic diseases. Last evaluated: 2026-08-20. Review status: criteria provided, single submitter. Criteria: Ambry Variant Classification Scheme 2023. Collection method: clinical testing. Allele origin: germline.
Comment: The p.C1036Y variant (also known as c.3107G>A), located in coding exon 14 of the FANCM gene, results from a G to A substitution at nucleotide position 3107. The cysteine at codon 1036 is replaced by tyrosine, an amino acid with highly dissimilar properties. This amino acid position is conserved. In addition, this alteration is predicted to be tolerated by in silico analysis. Based on the available evidence, the clinical significance of this variant remains unclear.